The following is an entry in ClinVar:

NM_022455.5(NSD1):c.7754G>T (p.Gly2585Val)

Gene: NSD1 (nuclear receptor binding SET domain protein 1; plus strand). Cytogenetic location: 5q35.3.
Variant type: single nucleotide variant.
Coding change: c.7754G>T on transcript NM_022455.5 (MANE Select); coding-DNA position 7754, G replaced by T.
Protein change: p.Gly2585Val; replaces glycine 2585 with valine.
Molecular consequence: missense variant.
Genome position (GRCh38, 1-based): chr5:177,295,122, G>T. VCF-style: chr5-177295122-G-T. GRCh37 (hg19) VCF-style: chr5-176722123-G-T.
Other names: c.6881G>T, p.Gly2294Val (NM_001365684.2, NM_001409308.1, NM_172349.5); c.7754G>T, p.Gly2585Val (NM_001409301.1, NM_001409302.1, NM_001409303.1); c.7334G>T, p.Gly2445Val (NM_001409304.1); c.7001G>T, p.Gly2334Val (NM_001409305.1); c.6992G>T, p.Gly2331Val (NM_001409306.1, NM_001409307.1); c.6632G>T, p.Gly2211Val (NM_001409309.1); short protein forms G2294V, G2334V, G2211V, G2445V, G2331V, G2585V.
Identifiers: ClinVar variation 3705398 (VCV003705398.2).
Genomic context (GRCh38, chr5:177,295,122, plus strand): 5'-AGACCCCAGGGCCTCTTAGCCAATCCCCGGGCCTGGTGAAGCAGGCGAAGCAGATGGTCG[G>T]AGGCCAGCAACTACCTGCACTTGCCGCCAAGAGTGGGCAATCTTTTAGGTCTCTCGGGAA-3'
Protein context (NP_071900.2, residues 2575-2595): GLVKQAKQMV[Gly2585Val]GQQLPALAAK

ClinVar aggregate classification (germline): Uncertain significance (1 of 4 stars; one submission).

Submission:

Labcorp Genetics (formerly Invitae), Labcorp
Classification: Uncertain significance. Last evaluated: 2025-11-04. Review status: criteria provided, single submitter. Criteria: Invitae Variant Classification Sherloc (09022015). Collection method: clinical testing. Allele origin: germline.
Comment: This sequence change replaces glycine, which is neutral and non-polar, with valine, which is neutral and non-polar, at codon 2585 of the NSD1 protein (p.Gly2585Val). This variant is not present in population databases (gnomAD no frequency). This variant has not been reported in the literature in individuals affected with NSD1-related conditions. ClinVar contains an entry for this variant (Variation ID: 3705398). Invitae Evidence Modeling of protein sequence and biophysical properties (such as structural, functional, and spatial information, amino acid conservation, physicochemical variation, residue mobility, and thermodynamic stability) has been performed for this missense variant. However, the output from this modeling did not meet the statistical confidence thresholds required to predict the impact of this variant on NSD1 protein function. In summary, the available evidence is currently insufficient to determine the role of this variant in disease. Therefore, it has been classified as a Variant of Uncertain Significance.